The following is an entry in ClinVar:

NC_000006.11:g.(?_76728415)_(76728595_?)del

Gene: IMPG1 (interphotoreceptor matrix proteoglycan 1; minus strand). Cytogenetic location: 6q14.1.
Variant type: Deletion.
Identifiers: ClinVar variation 2424204 (VCV002424204.3).

ClinVar aggregate classification (germline): Uncertain significance (1 of 4 stars; one submission).

Submission:

Labcorp Genetics (formerly Invitae), Labcorp
Classification: Uncertain significance. Last evaluated: 2022-08-27. Review status: criteria provided, single submitter. Criteria: Invitae Variant Classification Sherloc (09022015). Collection method: clinical testing. Allele origin: germline.
Comment: This variant is a gross deletion of the genomic region encompassing exon(s) 7 of the IMPG1 gene. This variant would be expected to be in-frame, preserving the integrity of the reading frame. This variant has not been reported in the literature in individuals affected with IMPG1-related conditions. In summary, the available evidence is currently insufficient to determine the role of this variant in disease. Therefore, it has been classified as a Variant of Uncertain Significance.